The following is an entry in ClinVar:

NM_001166108.2(PALLD):c.1965-12945C>T

Gene: PALLD (palladin, cytoskeletal associated protein; plus strand). Cytogenetic location: 4q32.3.
Variant type: single nucleotide variant.
Coding change: c.1965-12945C>T on transcript NM_001166108.2 (MANE Select); 12945 bases into the intron before coding-DNA position 1965, C replaced by T.
Molecular consequence: intron variant. On other transcripts: missense variant (1).
Genome position (GRCh38, 1-based): chr4:168,877,977, C>T. VCF-style: chr4-168877977-C-T. GRCh37 (hg19) VCF-style: chr4-169799128-C-T.
Other names: c.86C>T, p.Ala29Val (NM_001166110.2); c.1965-12945C>T (NM_016081.4); c.819-12945C>T (NM_001166109.2); c.-157-12945C>T (NM_001367570.1, NM_001367568.1, NM_001367567.1 and 1 more transcripts); c.86C>T (NM_001166110.1); short protein forms A29V.
Identifiers: ClinVar variation 3660548 (VCV003660548.3).

ClinVar aggregate classification (germline): Uncertain significance. Review status: criteria provided, multiple submitters, no conflicts (2 of 4 stars). 2 submissions from 2 submitters: Uncertain significance (2). Last evaluated 2026-06-16.

Conditions:
Pancreatic adenocarcinoma. Identifiers: MedGen C0281361, MONDO:0006047, HP:0006725.

gnomAD v4.1: 4 of 1,502,022 alleles (0.00027%); highest among the groups gnomAD compares: Non-Finnish European, 0.00027%; no homozygotes.

Submissions (2):

Ambry Genetics
Classification: Uncertain significance. Last evaluated: 2026-06-16. Review status: criteria provided, single submitter. Criteria: Ambry Variant Classification Scheme 2023. Collection method: clinical testing. Allele origin: germline.
Comment: The p.A29V variant (also known as c.86C>T), located in coding exon 1 of the PALLD gene, results from a C to T substitution at nucleotide position 86. The alanine at codon 29 is replaced by valine, an amino acid with similar properties. This amino acid position is highly conserved in available vertebrate species. In addition, the in silico prediction for this alteration is inconclusive. The evidence for this gene-disease relationship is limited; therefore, the clinical significance of this variant is unclear.

Labcorp Genetics (formerly Invitae), Labcorp
Classification: Uncertain significance for Pancreatic adenocarcinoma. Last evaluated: 2024-05-17. Review status: criteria provided, single submitter. Criteria: Invitae Variant Classification Sherloc (09022015). Collection method: clinical testing. Allele origin: germline.
Comment: This sequence change replaces alanine, which is neutral and non-polar, with valine, which is neutral and non-polar, at codon 29 of the PALLD protein (p.Ala29Val). The frequency data for this variant in the population databases is considered unreliable, as metrics indicate poor data quality at this position in the gnomAD database. This variant has not been reported in the literature in individuals affected with PALLD-related conditions. An algorithm developed to predict the effect of missense changes on protein structure and function (PolyPhen-2) suggests that this variant is likely to be tolerated. In summary, the available evidence is currently insufficient to determine the role of this variant in disease. Therefore, it has been classified as a Variant of Uncertain Significance.